The following is an entry in ClinVar:

ClinVar aggregate classification (germline): Uncertain significance (1 of 4 stars; one submission).

Submission:

GeneDx
Classification: Uncertain significance. Last evaluated: 2021-02-19. Review status: criteria provided, single submitter. Criteria: GeneDx Variant Classification Process June 2021. Collection method: clinical testing. Allele origin: germline. Affected: yes.
Comment: Not observed in large population cohorts (Lek et al., 2016); Has not been previously published as pathogenic or benign to our knowledge; Nonsense variant predicted to result in protein truncation or nonsense mediated decay in a gene for which loss-of-function is not a known mechanism of disease

NM_002055.5(GFAP):c.841G>T (p.Glu281Ter)

Gene: GFAP (glial fibrillary acidic protein; minus strand). Cytogenetic location: 17q21.31.
Variant type: single nucleotide variant.
Coding change: c.841G>T on transcript NM_002055.5 (MANE Select); coding-DNA position 841, G replaced by T.
Protein change: p.Glu281Ter; replaces glutamic acid 281 with a stop codon.
Molecular consequence: nonsense.
Genome position (GRCh38, 1-based): chr17:44,911,737, C>A on the plus strand (G>T on the coding strand, the complement: GFAP is on the minus strand). VCF-style: chr17-44911737-C-A. GRCh37 (hg19) VCF-style: chr17-42989105-C-A.
Other names: c.841G>T, p.Glu281Ter (NM_001131019.3, NM_001242376.3, NM_001363846.2); short protein forms E281*.
Identifiers: ClinVar variation 1307330 (VCV001307330.2), dbSNP rs756652110, ClinGen allele CA399844655.